The following is an entry in ClinVar:

NM_000548.5(TSC2):c.2973A>G (p.Ile991Met)

Gene: TSC2 (TSC complex subunit 2; plus strand). Cytogenetic location: 16p13.3.
Variant type: single nucleotide variant.
Coding change: c.2973A>G on transcript NM_000548.5 (MANE Select); coding-DNA position 2973, A replaced by G.
Protein change: p.Ile991Met; replaces isoleucine 991 with methionine.
Molecular consequence: missense variant.
Genome position (GRCh38, 1-based): chr16:2,079,038, A>G. VCF-style: chr16-2079038-A-G. GRCh37 (hg19) VCF-style: chr16-2129039-A-G.
Other names: c.2841A>G, p.Ile947Met (NM_001077183.3, NM_001370404.1, NM_001406665.1); c.2973A>G, p.Ile991Met (NM_001114382.3); c.2733A>G, p.Ile911Met (NM_001318827.2); c.2697A>G, p.Ile899Met (NM_001318829.2); c.2241A>G, p.Ile747Met (NM_001318831.2, NM_001406687.1, NM_001406688.1); c.2874A>G, p.Ile958Met (NM_001318832.2); c.2844A>G, p.Ile948Met (NM_001363528.2, NM_001370405.1, NM_021055.3); c.2970A>G, p.Ile990Met (NM_001406663.1, NM_001406664.1); and 18 more; short protein forms I748M, I790M, I791M, I794M, I911M, I941M, I942M, I958M.
Identifiers: ClinVar variation 1978932 (VCV001978932.4), dbSNP rs750003833, ClinGen allele CA394283505.
Genomic context (GRCh38, chr16:2,079,038, plus strand): 5'-GGCTCGGCCCGCCCTACCTGGCACCCTGACCCTGGTCACGGCCTCTCCCTCCAGCAGGAT[A>G]CAGACGTCCCTCACCAGTGCCAGCTTGGGGTCTGCAGATGAGAACTCCGTGGCCCAGGCT-3'
Protein context (NP_000539.2, residues 981-1001): SVSEHVVRSR[Ile991Met]QTSLTSASLG

ClinVar aggregate classification (germline): Uncertain significance (1 of 4 stars; one submission).

Conditions:
Tuberous sclerosis 2 (TSC2). Identifiers: Orphanet 805, MedGen C1860707, MONDO:0013199, OMIM 613254.

gnomAD v4.1: 1 of 1,612,738 alleles (0.000062%); highest among the groups gnomAD compares: Non-Finnish European, 0.000085%; no homozygotes.

Submission:

Labcorp Genetics (formerly Invitae), Labcorp
Classification: Uncertain significance for Tuberous sclerosis 2. Last evaluated: 2022-04-27. Review status: criteria provided, single submitter. Criteria: Invitae Variant Classification Sherloc (09022015). Collection method: clinical testing. Allele origin: germline.
Comment: This sequence change replaces isoleucine, which is neutral and non-polar, with methionine, which is neutral and non-polar, at codon 991 of the TSC2 protein (p.Ile991Met). In summary, the available evidence is currently insufficient to determine the role of this variant in disease. Therefore, it has been classified as a Variant of Uncertain Significance. Advanced modeling of protein sequence and biophysical properties (such as structural, functional, and spatial information, amino acid conservation, physicochemical variation, residue mobility, and thermodynamic stability) performed at Invitae indicates that this missense variant is not expected to disrupt TSC2 protein function. This variant has not been reported in the literature in individuals affected with TSC2-related conditions. This variant is not present in population databases (gnomAD no frequency).